The following is an entry in ClinVar:

ClinVar aggregate classification (germline): Conflicting classifications of pathogenicity. Review status: criteria provided, conflicting classifications (1 of 4 stars). 4 submissions from 4 submitters: Uncertain significance (2); Likely benign (1). 1 of the submissions does not count toward it. Last evaluated 2026-03-18.

Conditions:
alpha Thalassemia. Also called: Alpha thalassemia spectrum. Identifiers: Orphanet 846, MedGen C0002312, MONDO:0011399, OMIM 604131.

Allele frequency attached by ClinVar (database versions not stated): gnomAD exomes below 0.00001.

Submissions (4):

GeneDx
Classification: Uncertain significance. Last evaluated: 2026-03-18. Review status: criteria provided, single submitter. Criteria: GeneDx Variant Classification Process June 2021. Collection method: clinical testing. Allele origin: germline.
Comment: Reported in a proband with mild hypochromia and microcytosis; however, this variant has also been reported in multiple unaffected members of an unrelated family (PMID: 5122655, 3839776); Not observed at significant frequency in large population cohorts (gnomAD); In silico analysis supports that this missense variant has a deleterious effect on protein structure/function; In silico analysis suggests this variant may impact gene splicing. In the absence of RNA/functional studies, the actual effect of this sequence change is unknown.; Also known as p.E27G and Hb Ft. Worth; This variant is associated with the following publications: (PMID: 5122655, 3839776)

Quest Diagnostics Nichols Institute San Juan Capistrano
Classification: Uncertain significance. Last evaluated: 2025-04-23. Review status: criteria provided, single submitter. Criteria: Quest Diagnostics criteria. Collection method: clinical testing. Allele origin: unknown.
Comment: The HBA2 c.83A>G (p.Glu28Gly) variant (also known as Hb Fort Worth) has been reported in the heterozygous state in individuals who were clinically healthy (PMID: 3839776 (1985)) or presented with microcytic/hypochromic anemia (PMID: 5122655 (1971)). This variant is found in the affected individuals at unusually low concentrations (4-5% of total hemoglobin), and has been described to be slightly unstable (HbVar, PMID: 5122655 (1971)). This variant has not been reported in large, multi-ethnic general populations (Genome Aggregation Database). Analysis of this variant using bioinformatics tools for the prediction of the effect of amino acid changes on protein structure and function yielded predictions that this variant is damaging. Based on the available information, we are unable to determine the clinical significance of this variant.

ARUP Laboratories, Molecular Genetics and Genomics, ARUP Laboratories
Classification: Likely benign. Last evaluated: 2023-12-18. Review status: criteria provided, single submitter. Criteria: ARUP Molecular Germline Variant Investigation Process 2024. Collection method: clinical testing. Allele origin: germline.
Comment: The Hb Fort Worth variant (HBA2: c.83A>G; p.Glu28Gly, also known as Glu27Gly when numbered from the mature protein, rs281864823, HbVar ID: 41) is reported in the heterozygous in individuals with no clinical or hematological findings (see link to HbVar and references therein). This variant is also reported in ClinVar (Variation ID: 993188), but is absent from the Genome Aggregation Database (v2.1.1), indicating it is not a common polymorphism. Computational analyses predict that this variant is deleterious (REVEL: 0.856), and functional analyses report this variant to be unstable (Carstairs 1985). Based on available information, this variant is considered to be likely benign. References: Link to HbVar database: Carstairs KC et al. Hb Fort Worth or alpha2 27(B8)Glu----Gly beta2 in a black family from Canada. Hemoglobin. 1985;9(2):201-5. PMID: 3839776.

Natera, Inc.
Classification: Uncertain significance for Alpha thalassemia. Last evaluated: 2018-10-01. Review status: no assertion criteria provided. Collection method: clinical testing. Allele origin: germline. Not counted in ClinVar's aggregate classification.

Literature cited by the submitters: PubMed 3839776 (cited by Quest Diagnostics Nichols Institute San Juan Capistrano); PubMed 5122655 (cited by Quest Diagnostics Nichols Institute San Juan Capistrano).

NM_000517.6(HBA2):c.83A>G (p.Glu28Gly)

Genes: HBA2 (hemoglobin subunit alpha 2; plus strand), LOC106804612 (hemoglobin subunit alpha 2 recombination region; plus strand). Cytogenetic location: 16p13.3.
Variant type: single nucleotide variant.
Coding change: c.83A>G on transcript NM_000517.6 (MANE Select); coding-DNA position 83, A replaced by G.
Protein change: p.Glu28Gly; replaces glutamic acid 28 with glycine.
Molecular consequence: missense variant.
Genome position (GRCh38, 1-based): chr16:172,995, A>G. VCF-style: chr16-172995-A-G. GRCh37 (hg19) VCF-style: chr16-222994-A-G.
Other names: short protein forms E28G.
Identifiers: ClinVar variation 993188 (VCV000993188.12), dbSNP rs281864823, ClinGen allele CA276414471.
Genomic context (GRCh38, chr16:172,995, plus strand): 5'-AGACCAACGTCAAGGCCGCCTGGGGTAAGGTCGGCGCGCACGCTGGCGAGTATGGTGCGG[A>G]GGCCCTGGAGAGGTGAGGCTCCCTCCCCTGCTCCGACCCGGGCTCCTCGCCCGCCCGGAC-3'
Protein context (NP_000508.1, residues 18-38): VGAHAGEYGA[Glu28Gly]ALERMFLSFP